The following is an entry in ClinVar:

NM_020779.4(WDR35):c.1601G>A (p.Arg534Gln)

Gene: WDR35 (WD repeat domain 35; minus strand). Cytogenetic location: 2p24.1.
Variant type: single nucleotide variant.
Coding change: c.1601G>A on transcript NM_020779.4 (MANE Select); coding-DNA position 1601, G replaced by A.
Protein change: p.Arg534Gln; replaces arginine 534 with glutamine.
Molecular consequence: missense variant.
Genome position (GRCh38, 1-based): chr2:19,946,494, C>T on the plus strand (G>A on the coding strand, the complement: WDR35 is on the minus strand). VCF-style: chr2-19946494-C-T. GRCh37 (hg19) VCF-style: chr2-20146255-C-T.
Other names: p.Arg545Gln; c.1634G>A, p.Arg545Gln (NM_001006657.2); short protein forms R545Q, R534Q.
Identifiers: ClinVar variation 333392 (VCV000333392.30), dbSNP rs113345685, ClinGen allele CA1543166.
Genomic context (GRCh38, chr2:19,946,494, plus strand): 5'-CTACATGAGCAGAGTTTTCAGGCTTACCTAGAGTTGCAATTCAAGGATAACTGGTAGGCT[C>T]GACAATTAAGGGAATATTTTTGAATCAAACCAACATTAGGTAGACTGTATCTCTGAATGG-3'
Protein context (NP_065830.2, residues 524-544): GLIQKYSLNC[Arg534Gln]AYQLSLNCNS

ClinVar aggregate classification (germline): Benign/Likely benign. Review status: criteria provided, multiple submitters, no conflicts (2 of 4 stars). 7 submissions from 6 submitters: Benign (3); Likely benign (4). Last evaluated 2026-01-26.

Conditions:
Short-rib thoracic dysplasia 7 with or without polydactyly (SRTD7). Also called: Short rib polydactyly syndrome 5; SHORT-RIB THORACIC DYSPLASIA 7 WITH POLYDACTYLY. Identifiers: Orphanet 498497, Orphanet 93271, MedGen C3279792, MONDO:0013569, OMIM 614091.
Cranioectodermal dysplasia 2 (CED2). Identifiers: Orphanet 1515, MedGen C3150874, MONDO:0013323, OMIM 613610.

Allele frequency attached by ClinVar (database versions not stated): gnomAD exomes 0.00104 and 0.00286; ExAC 0.00361; 1000 Genomes Project 0.00899; 1000 Genomes Project 30x 0.00968; gnomAD 0.01119 and 0.01206; ESP Exome Variant Server 0.01292; TOPMed 0.01310.
gnomAD v4.1: 3,305 of 1,613,448 alleles (0.2%); highest among the groups gnomAD compares: African/African-American, 3.9%; 66 homozygotes.

Submissions (7):

Labcorp Genetics (formerly Invitae), Labcorp
Classification: Benign for Cranioectodermal dysplasia 2; Short-rib thoracic dysplasia 7 with or without polydactyly. Last evaluated: 2026-01-26. Review status: criteria provided, single submitter. Criteria: Invitae Variant Classification Sherloc (09022015). Collection method: clinical testing. Allele origin: germline.

Mayo Clinic Laboratories, Mayo Clinic
Classification: Benign. Last evaluated: 2024-06-14. Review status: criteria provided, single submitter. Criteria: ACMG Guidelines, 2015. Collection method: clinical testing. Allele origin: germline. Observed: 4 variant alleles.
Comment: BS1, BS2

ARUP Laboratories, Molecular Genetics and Genomics, ARUP Laboratories
Classification: Benign. Last evaluated: 2023-09-21. Review status: criteria provided, single submitter. Criteria: ARUP Molecular Germline Variant Investigation Process 2024. Collection method: clinical testing. Allele origin: germline.

GeneDx
Classification: Likely benign. Last evaluated: 2021-02-09. Review status: criteria provided, single submitter. Criteria: GeneDx Variant Classification Process June 2021. Collection method: clinical testing. Allele origin: germline. Affected: yes.

Illumina Laboratory Services, Illumina
Classification: Likely benign for Short-rib thoracic dysplasia 7 with or without polydactyly. Last evaluated: 2017-04-28. Review status: criteria provided, single submitter. Criteria: ICSL Variant Classification Criteria 13 December 2019. Collection method: clinical testing. Allele origin: germline.
Comment: This variant was observed as part of a predisposition screen in an ostensibly healthy population. A literature search was performed for the gene, cDNA change, and amino acid change (where applicable). No publications were found based on this search. Allele frequency data from public databases allowed determination this variant is unlikely to cause disease. Therefore, this variant is classified as likely benign.

Illumina Laboratory Services, Illumina
Classification: Likely benign for Cranioectodermal dysplasia 2. Last evaluated: 2017-04-28. Review status: criteria provided, single submitter. Criteria: ICSL Variant Classification Criteria 13 December 2019. Collection method: clinical testing. Allele origin: germline.
Comment: the same text as in the submission from Illumina Laboratory Services, Illumina above.

Breakthrough Genomics
Classification: Likely benign. Review status: criteria provided, single submitter. Criteria: ACMG Guidelines, 2015. Collection method: not provided. Allele origin: germline. Inheritance: Autosomal recessive inheritance. Affected: yes.